The following is an entry in ClinVar:

ClinVar aggregate classification (germline): Pathogenic. Review status: criteria provided, multiple submitters, no conflicts (2 of 4 stars). 4 submissions from 4 submitters: Pathogenic (4). Last evaluated 2023-08-17.

Conditions:
Hereditary cancer-predisposing syndrome. Also called: Hereditary neoplastic syndrome; Hereditary Cancer Syndrome; Neoplastic Syndromes, Hereditary; Tumor predisposition. Identifiers: Orphanet 140162, MedGen C0027672, MeSH D009386, MONDO:0015356.
Hereditary nonpolyposis colorectal neoplasms. Identifiers: MedGen C0009405, MeSH D003123.
Lynch syndrome 5 (LYNCH5). Also called: Hereditary non-polyposis colorectal cancer, type 5; Colorectal cancer, hereditary nonpolyposis, type 5. Identifiers: Orphanet 144, MedGen C1833477, MONDO:0013710, OMIM 614350. Disease mechanism: loss of function.

Submissions (4):

Myriad Genetics, Inc.
Classification: Pathogenic for Lynch syndrome 5. Last evaluated: 2023-08-17. Review status: criteria provided, single submitter. Criteria: Myriad Autosomal Dominant, Autosomal Recessive and X-Linked Classification Criteria (2023). Collection method: clinical testing. Allele origin: unknown.
Comment: This variant is considered pathogenic. This variant creates a frameshift predicted to result in premature protein truncation.

Ambry Genetics
Classification: Pathogenic for Hereditary cancer-predisposing syndrome. Last evaluated: 2021-07-02. Review status: criteria provided, single submitter. Criteria: Ambry Variant Classification Scheme 2023. Collection method: clinical testing. Allele origin: germline.
Comment: The c.2354_2355ins31 variant, located in coding exon 4 of the MSH6 gene, results from an insertion of 31 nucleotides at position 2354, causing a translational frameshift with a predicted alternate stop codon (p.H785Qfs*10). This variant is considered to be rare based on population cohorts in the Genome Aggregation Database (gnomAD). This alteration is expected to result in loss of function by premature protein truncation or nonsense-mediated mRNA decay. As such, this alteration is interpreted as a disease-causing mutation.

Labcorp Genetics (formerly Invitae), Labcorp
Classification: Pathogenic for Hereditary nonpolyposis colorectal neoplasms. Last evaluated: 2020-12-20. Review status: criteria provided, single submitter. Criteria: Invitae Variant Classification Sherloc (09022015). Collection method: clinical testing. Allele origin: germline.
Comment: This sequence change creates a premature translational stop signal (p.His785Glnfs*10) in the MSH6 gene. It is expected to result in an absent or disrupted protein product. Loss-of-function variants in MSH6 are known to be pathogenic (PMID: 18269114, 24362816). For these reasons, this variant has been classified as Pathogenic. This variant has not been reported in the literature in individuals with MSH6-related conditions. ClinVar contains an entry for this variant (Variation ID: 234743). This variant is not present in population databases (ExAC no frequency).

GeneDx
Classification: Pathogenic. Last evaluated: 2016-01-11. Review status: criteria provided, single submitter. Criteria: GeneDx Variant Classification (06012015). Collection method: clinical testing. Allele origin: germline. Affected: yes.
Comment: This insertion of 31 nucleotides in MSH6 is denoted c.2354_2355ins31 at the cDNA level and p.His785GlnfsX10 (H785QfsX10) at the protein level. The surrounding sequence is ACCA[ins31]TTAT. The insertion causes a frameshift, which changes a Histidine to a Glutamine at codon 785, and creates a premature stop codon at position 10 of the new reading frame. Although this variant has not, to our knowledge, been reported in the literature, it is predicted to cause loss of normal protein function through either protein truncation or nonsense-mediated mRNA decay. We consider this variant to be pathogenic.

Literature cited by the submitters: PubMed 18269114 (cited by Labcorp Genetics (formerly Invitae), Labcorp); PubMed 24362816 (cited by Labcorp Genetics (formerly Invitae), Labcorp).

NM_000179.3(MSH6):c.2354_2355insAGCATTGGCTTTGTGCCCCACTCTGTAACCA (p.His785delinsGlnAlaLeuAlaLeuCysProThrLeuTer)

Gene: MSH6 (mutS homolog 6; plus strand). Cytogenetic location: 2p16.3.
Variant type: Insertion.
Coding change: c.2354_2355insAGCATTGGCTTTGTGCCCCACTCTGTAACCA on transcript NM_000179.3 (MANE Select); coding-DNA positions 2354 to 2355, AGCATTGGCTTTGTGCCCCACTCTGTAACCA inserted.
Protein change: p.His785delinsGlnAlaLeuAlaLeuCysProThrLeuTer.
Molecular consequence: nonsense.
Genome position: GRCh38: chr2:47,800,337-47,800,338. GRCh37 (hg19): chr2:48,027,476-48,027,477.
Other names: c.1964_1965insAGCATTGGCTTTGTGCCCCACTCTGTAACCA, p.His655delinsGlnAlaLeuAlaLeuCysProThrLeuTer (NM_001281492.2); c.1448_1449insAGCATTGGCTTTGTGCCCCACTCTGTAACCA, p.His483delinsGlnAlaLeuAlaLeuCysProThrLeuTer (NM_001281493.2, NM_001281494.2).
Identifiers: ClinVar variation 234743 (VCV000234743.10), dbSNP rs876661193, ClinGen allele CA10577276.